The following is an entry in ClinVar:

NM_001365951.3(KIF1B):c.2247G>C (p.Trp749Cys)

Gene: KIF1B (kinesin family member 1B; plus strand). Cytogenetic location: 1p36.22.
Variant type: single nucleotide variant.
Coding change: c.2247G>C on transcript NM_001365951.3 (MANE Select); coding-DNA position 2247, G replaced by C.
Protein change: p.Trp749Cys; replaces tryptophan 749 with cysteine.
Molecular consequence: missense variant.
Genome position (GRCh38, 1-based): chr1:10,321,746, G>C. VCF-style: chr1-10321746-G-C. GRCh37 (hg19) VCF-style: chr1-10381804-G-C.
Other names: c.2247G>C, p.Trp749Cys (NM_001365952.1); c.2109G>C, p.Trp703Cys (NM_015074.3); short protein forms W703C, W749C.
Identifiers: ClinVar variation 1786034 (VCV001786034.3), dbSNP rs753808186, ClinGen allele CA338332733.

ClinVar aggregate classification (germline): Uncertain significance (1 of 4 stars; one submission).

Allele frequency attached by ClinVar (database versions not stated): TOPMed below 0.00001.

Submission:

Ambry Genetics
Classification: Uncertain significance. Last evaluated: 2025-08-30. Review status: criteria provided, single submitter. Criteria: Ambry Variant Classification Scheme 2023. Collection method: clinical testing. Allele origin: germline.
Comment: The p.W703C variant (also known as c.2109G>C), located in coding exon 21 of the KIF1B gene, results from a G to C substitution at nucleotide position 2109. The tryptophan at codon 703 is replaced by cysteine, an amino acid with highly dissimilar properties. This amino acid position is conserved. In addition, this alteration is predicted to be deleterious by in silico analysis. Since supporting evidence is limited at this time, the clinical significance of this alteration remains unclear.